The following is an entry in ClinVar:

NM_015046.7(SETX):c.1363A>G (p.Thr455Ala)

Gene: SETX (senataxin; minus strand). Cytogenetic location: 9q34.13.
Variant type: single nucleotide variant.
Coding change: c.1363A>G on transcript NM_015046.7 (MANE Select); coding-DNA position 1363, A replaced by G.
Protein change: p.Thr455Ala; replaces threonine 455 with alanine.
Molecular consequence: missense variant.
Genome position (GRCh38, 1-based): chr9:132,330,235, T>C on the plus strand (A>G on the coding strand, the complement: SETX is on the minus strand). VCF-style: chr9-132330235-T-C. GRCh37 (hg19) VCF-style: chr9-135205622-T-C.
Other names: c.1363A>G, p.Thr455Ala (NM_001351527.2, NM_001351528.2); short protein forms T455A.
Identifiers: ClinVar variation 2571342 (VCV002571342.27), dbSNP rs777032247, ClinGen allele CA5297789.

ClinVar aggregate classification (germline): Uncertain significance (1 of 4 stars; one submission).

Allele frequency attached by ClinVar (database versions not stated): gnomAD exomes 0.00001; ExAC 0.00002.
gnomAD v4.1: 7 of 1,570,148 alleles (0.00045%); highest among the groups gnomAD compares: East Asian, 0.0023%; no homozygotes.

Submission:

CeGaT Center for Human Genetics Tuebingen
Classification: Uncertain significance. Last evaluated: 2023-04-01. Review status: criteria provided, single submitter. Criteria: CeGaT Center For Human Genetics Tuebingen Variant Classification Criteria Version 2. Collection method: clinical testing. Allele origin: germline. Affected: yes. Observed: 1 variant allele.
Comment: SETX: PM2, BP4